The following is an entry in ClinVar:

NM_000363.5(TNNI3):c.425C>A (p.Pro142His)

Gene: TNNI3 (troponin I3, cardiac type; minus strand). Cytogenetic location: 19q13.42.
Variant type: single nucleotide variant.
Coding change: c.425C>A on transcript NM_000363.5 (MANE Select); coding-DNA position 425, C replaced by A.
Protein change: p.Pro142His; replaces proline 142 with histidine.
Molecular consequence: missense variant.
Genome position (GRCh38, 1-based): chr19:55,154,154, G>T on the plus strand (C>A on the coding strand, the complement: TNNI3 is on the minus strand). VCF-style: chr19-55154154-G-T. GRCh37 (hg19) VCF-style: chr19-55665522-G-T.
Other names: short protein forms P142H.
Identifiers: ClinVar variation 2901278 (VCV002901278.4), dbSNP rs2147283285, ClinGen allele CA407440571.
Genomic context (GRCh38, chr19:55,154,154, plus strand): 5'-CGGGCCCCCAGCAGCGCCTGCATCATGGCATCTGCAGAGATCCTCACTCTCCGCAGGGTG[G>T]GCCGCTTAAACTTGCCTCGAAGGTCAAAGATCTTCTGAGTCAGATCTGCAATCTGGGGGC-3'
Protein context (NP_000354.4, residues 132-152): IFDLRGKFKR[Pro142His]TLRRVRISAD

ClinVar aggregate classification (germline): Uncertain significance. Review status: criteria provided, multiple submitters, no conflicts (2 of 4 stars). 2 submissions from 2 submitters: Uncertain significance (2). Last evaluated 2023-11-30.

Conditions:
Hypertrophic cardiomyopathy. Also called: HYPERTROPHIC MYOCARDIOPATHY. Identifiers: Orphanet 217569, MedGen C0007194, MeSH D002312, MONDO:0005045, HP:0001639.

Submissions (2):

All of Us Research Program, National Institutes of Health
Classification: Uncertain significance for Hypertrophic cardiomyopathy. Last evaluated: 2023-11-30. Review status: criteria provided, single submitter. Criteria: ACMG Guidelines, 2015. Collection method: clinical testing. Allele origin: germline. Inheritance: Autosomal dominant inheritance. Observed: 1 variant allele, 1 heterozygote.
Comment: This study involves interpretation of variants in research participants for the purpose of population health screening. Participant phenotype was not available at the time of variant classification. Additional details can be found in publication PMID: 35346344, PMCID: PMC8962531

Labcorp Genetics (formerly Invitae), Labcorp
Classification: Uncertain significance for Hypertrophic cardiomyopathy. Last evaluated: 2023-11-07. Review status: criteria provided, single submitter. Criteria: Invitae Variant Classification Sherloc (09022015). Collection method: clinical testing. Allele origin: germline.
Comment: This sequence change replaces proline, which is neutral and non-polar, with histidine, which is basic and polar, at codon 142 of the TNNI3 protein (p.Pro142His). This variant is not present in population databases (gnomAD no frequency). This variant has not been reported in the literature in individuals affected with TNNI3-related conditions. An algorithm developed to predict the effect of missense changes on protein structure and function (PolyPhen-2) suggests that this variant is likely to be disruptive. In summary, the available evidence is currently insufficient to determine the role of this variant in disease. Therefore, it has been classified as a Variant of Uncertain Significance.